The following is an entry in ClinVar:

ClinVar aggregate classification (germline): Uncertain significance (1 of 4 stars; one submission).

Conditions:
Pigmented nodular adrenocortical disease, primary, 2 (PPNAD2). Also called: PIGMENTED MICRONODULAR ADRENOCORTICAL DISEASE, PRIMARY, 2; CUSHING SYNDROME, ADRENAL, DUE TO PPNAD2. Identifiers: Orphanet 189439, MedGen C1864851, MONDO:0012505, OMIM 610475.

Allele frequency attached by ClinVar (database versions not stated): ExAC 0.00002; gnomAD 0.00004; TOPMed 0.00006; ESP Exome Variant Server 0.00008.
gnomAD v4.1: 92 of 1,608,738 alleles (0.0057%); highest among the groups gnomAD compares: Middle Eastern, 0.016%; no homozygotes.

Submission:

Baylor Genetics
Classification: Uncertain significance for Pigmented nodular adrenocortical disease, primary, 2. Last evaluated: 2019-10-03. Review status: criteria provided, single submitter. Criteria: ACMG Guidelines, 2015. Collection method: clinical testing. Allele origin: unknown. Affected: yes.
Comment: This variant was determined to be of uncertain significance according to ACMG Guidelines, 2015 [PMID:25741868].

NM_016953.4(PDE11A):c.2618T>C (p.Ile873Thr)

Gene: PDE11A (phosphodiesterase 11A; minus strand). Cytogenetic location: 2q31.2.
Variant type: single nucleotide variant.
Coding change: c.2618T>C on transcript NM_016953.4 (MANE Select); coding-DNA position 2618, T replaced by C.
Protein change: p.Ile873Thr; replaces isoleucine 873 with threonine.
Molecular consequence: missense variant.
Genome position (GRCh38, 1-based): chr2:177,663,894, A>G on the plus strand (T>C on the coding strand, the complement: PDE11A is on the minus strand). VCF-style: chr2-177663894-A-G. GRCh37 (hg19) VCF-style: chr2-178528622-A-G.
Other names: c.1286T>C, p.Ile429Thr (NM_001077196.2); c.1868T>C, p.Ile623Thr (NM_001077197.2); c.1544T>C, p.Ile515Thr (NM_001077358.2); short protein forms I515T, I429T, I873T, I623T.
Identifiers: ClinVar variation 1028036 (VCV001028036.1), dbSNP rs371810618, ClinGen allele CA1981446.
Genomic context (GRCh38, chr2:177,663,894, plus strand): 5'-CAGAACATGTAGGCCCTCCCAAATCAAAGTACCTGATACAAAGGCATGCAGATGCTATCA[A>G]TCCACTCCAGTTGCAACCGAGGCAGTTCATCCTTCCGGTTCCGATCAAAAATTGCCTAGA-3'
Protein context (NP_058649.3, residues 863-883): DELPRLQLEW[Ile873Thr]DSICMPLYQA